The following is an entry in ClinVar:

NM_000264.5(PTCH1):c.515C>T (p.Thr172Ile)

Gene: PTCH1 (patched 1; minus strand). Cytogenetic location: 9q22.32.
Variant type: single nucleotide variant.
Coding change: c.515C>T on transcript NM_000264.5 (MANE Select); coding-DNA position 515, C replaced by T.
Protein change: p.Thr172Ile; replaces threonine 172 with isoleucine.
Molecular consequence: missense variant. On other transcripts: non-coding transcript variant (1).
Genome position (GRCh38, 1-based): chr9:95,485,754, G>A on the plus strand (C>T on the coding strand, the complement: PTCH1 is on the minus strand). VCF-style: chr9-95485754-G-A. GRCh37 (hg19) VCF-style: chr9-98248036-G-A.
Other names: c.317C>T, p.Thr106Ile (NM_001083602.3, NM_001354919.2); c.512C>T, p.Thr171Ile (NM_001083603.3); c.62C>T, p.Thr21Ile (NM_001083604.3, NM_001083605.3, NM_001083606.3 and 1 more transcripts); c.515C>T, p.Thr172Ile (NM_001354918.2); short protein forms T171I, T21I, T106I, T172I.
Identifiers: ClinVar variation 4146892 (VCV004146892.1).

ClinVar aggregate classification (germline): Uncertain significance (1 of 4 stars; one submission).

Conditions:
Hereditary cancer-predisposing syndrome. Also called: Hereditary neoplastic syndrome; Neoplastic Syndromes, Hereditary; Tumor predisposition; Hereditary Cancer Syndrome. Identifiers: Orphanet 140162, MedGen C0027672, MeSH D009386, MONDO:0015356.

gnomAD v4.1: 2 of 1,614,210 alleles (0.00012%); highest among the groups gnomAD compares: Non-Finnish European, 0.00017%; no homozygotes.

Submission:

Ambry Genetics
Classification: Uncertain significance for Hereditary cancer-predisposing syndrome. Last evaluated: 2025-08-22. Review status: criteria provided, single submitter. Criteria: Ambry Variant Classification Scheme 2023. Collection method: clinical testing. Allele origin: germline.
Comment: The p.T172I variant (also known as c.515C>T), located in coding exon 3 of the PTCH1 gene, results from a C to T substitution at nucleotide position 515. The threonine at codon 172 is replaced by isoleucine, an amino acid with similar properties. This amino acid position is conserved. In addition, the in silico prediction for this alteration is inconclusive. Based on the available evidence, the clinical significance of this variant remains unclear.